The following is an entry in ClinVar:

NM_177438.3(DICER1):c.2041-9T>G

Gene: DICER1 (dicer 1, ribonuclease III; minus strand). Cytogenetic location: 14q32.13.
Variant type: single nucleotide variant.
Coding change: c.2041-9T>G on transcript NM_177438.3 (MANE Select); 9 bases into the intron before coding-DNA position 2041, T replaced by G.
Molecular consequence: intron variant.
Genome position (GRCh38, 1-based): chr14:95,112,256, A>C on the plus strand (T>G on the coding strand, the complement: DICER1 is on the minus strand). VCF-style: chr14-95112256-A-C. GRCh37 (hg19) VCF-style: chr14-95578593-A-C.
Other names: c.2041-9T>G (NM_001291628.2, NM_030621.4, NM_001395677.1 and 12 more transcripts); c.1636-9T>G (NM_001395690.1, NM_001395687.1, NM_001395689.1 and 3 more transcripts); c.1759-9T>G (NM_001395686.1); c.1474-9T>G (NM_001395691.1); c.358-9T>G (NM_001395697.1).
Identifiers: ClinVar variation 4533171 (VCV004533171.1).

ClinVar aggregate classification (germline): Uncertain significance (1 of 4 stars; one submission).

Submission:

Quest Diagnostics Nichols Institute San Juan Capistrano
Classification: Uncertain significance. Last evaluated: 2025-07-07. Review status: criteria provided, single submitter. Criteria: Quest Diagnostics criteria. Collection method: clinical testing. Allele origin: unknown.
Comment: The DICER1 c.2041-9T>G variant has not been reported in individuals with DICER1-related conditions in the published literature. It also has not been reported in large, multi-ethnic general populations (Genome Aggregation Database). Analysis of this variant using software algorithms for the prediction of the effect of nucleotide changes on DICER1 mRNA splicing yielded inconclusive findings. Based on the available information, we are unable to determine the clinical significance of this variant.